The following is an entry in ClinVar:

ClinVar aggregate classification (germline): Likely benign. Review status: criteria provided, multiple submitters, no conflicts (2 of 4 stars). 2 submissions from 2 submitters: Likely benign (2). Last evaluated 2026-02-01.

Allele frequency attached by ClinVar (database versions not stated): 1000 Genomes Project 0.00020; ESP Exome Variant Server 0.00023; gnomAD exomes 0.00028; 1000 Genomes Project 30x 0.00031; ExAC 0.00031; gnomAD 0.00040 and 0.00041; TOPMed 0.00043.
gnomAD v4.1: 599 of 1,614,044 alleles (0.037%); highest among the groups gnomAD compares: Middle Eastern, 0.049%; no homozygotes.

Submissions (2):

CeGaT Center for Human Genetics Tuebingen
Classification: Likely benign. Last evaluated: 2026-02-01. Review status: criteria provided, single submitter. Criteria: CeGaT Center For Human Genetics Tuebingen Variant Classification Criteria Version 2. Collection method: clinical testing. Allele origin: germline. Affected: yes. Observed: 2 variant alleles.
Comment: ATIC: BP4, BP7

Labcorp Genetics (formerly Invitae), Labcorp
Classification: Likely benign. Last evaluated: 2021-09-10. Review status: criteria provided, single submitter. Criteria: Invitae Variant Classification Sherloc (09022015). Collection method: clinical testing. Allele origin: germline.

NM_004044.7(ATIC):c.1257C>T (p.Ile419=)

Gene: ATIC (5-aminoimidazole-4-carboxamide ribonucleotide formyltransferase/IMP cyclohydrolase; plus strand). Cytogenetic location: 2q35.
Variant type: single nucleotide variant.
Coding change: c.1257C>T on transcript NM_004044.7 (MANE Select); coding-DNA position 1257, C replaced by T.
Protein change: p.Ile419=; no amino-acid change (isoleucine 419 retained).
Molecular consequence: synonymous variant.
Genome position (GRCh38, 1-based): chr2:215,344,808, C>T. VCF-style: chr2-215344808-C-T. GRCh37 (hg19) VCF-style: chr2-216209531-C-T.
Identifiers: ClinVar variation 743700 (VCV000743700.32), dbSNP rs10175961, ClinGen allele CA2093277.
Genomic context (GRCh38, chr2:215,344,808, plus strand): 5'-CATGCAATTTACCATTGTGTATGTGTTTCAGTTGCCAGAGTCTGCCCTCCGAGACCTCAT[C>T]GTAGCCACCATTGCTGTCAAGTACACTCAGTCTAACTCTGTGTGCTACGCCAAGAACGGG-3'
Protein context (NP_004035.2, residues 409-429): DLPESALRDL[Ile419=]VATIAVKYTQ